The following is an entry in ClinVar:

ClinVar aggregate classification (germline): Likely benign. Review status: criteria provided, multiple submitters, no conflicts (2 of 4 stars). 2 submissions from 2 submitters: Likely benign (2). Last evaluated 2024-10-24.

Conditions:
CNTN6-related disorder. Also called: CNTN6-related condition.

gnomAD v4.1: 56 of 1,609,220 alleles (0.0035%); highest among the groups gnomAD compares: African/African-American, 0.044%; no homozygotes.

Submissions (2):

PreventionGenetics, part of Exact Sciences
Classification: Likely benign for CNTN6-related condition. Last evaluated: 2024-10-24. Review status: criteria provided, single submitter. Criteria: ACMG Guidelines, 2015. Collection method: clinical testing. Allele origin: germline.
Comment: This variant is classified as likely benign based on ACMG/AMP sequence variant interpretation guidelines (Richards et al. 2015 PMID: 25741868, with internal and published modifications).

Blueprint Genetics
Classification: Likely benign. Last evaluated: 2019-10-10. Review status: criteria provided, single submitter. Criteria: ACMG Guidelines, 2015. Collection method: clinical testing. Allele origin: germline.

NM_001289080.2(CNTN6):c.1512C>T (p.Val504=)

Gene: CNTN6 (contactin 6; plus strand). Cytogenetic location: 3p26.3.
Variant type: single nucleotide variant.
Coding change: c.1512C>T on transcript NM_001289080.2 (MANE Select); coding-DNA position 1512, C replaced by T.
Protein change: p.Val504=; no amino-acid change (valine 504 retained).
Molecular consequence: synonymous variant.
Genome position (GRCh38, 1-based): chr3:1,372,318, C>T. VCF-style: chr3-1372318-C-T. GRCh37 (hg19) VCF-style: chr3-1414002-C-T.
Other names: c.1296C>T, p.Val432= (NM_001289081.2); c.1512C>T, p.Val504= (NM_001349350.2, NM_001349351.2, NM_001349352.2 and 4 more transcripts); c.1404C>T, p.Val468= (NM_001349356.2); c.1200C>T, p.Val400= (NM_001349357.2); c.957C>T, p.Val319= (NM_001349358.2); c.390C>T, p.Val130= (NM_001349359.2, NM_001349360.2, NM_001349361.2 and 1 more transcripts); c.1512C>T (NM_014461.3).
Identifiers: ClinVar variation 4960980 (VCV004960980.2).